The following is an entry in ClinVar:

NC_000016.10:g.(?_172913)_(177411_?)del

Genes: HBA1 (hemoglobin subunit alpha 1; plus strand), HBA2 (hemoglobin subunit alpha 2; plus strand), LOC106804612 (hemoglobin subunit alpha 2 recombination region; plus strand), LOC106804613 (hemoglobin subunit alpha 1 recombination region; plus strand). Cytogenetic location: 16p13.3.
Variant type: Deletion.
Identifiers: ClinVar variation 648517 (VCV000648517.2).

ClinVar aggregate classification (germline): Pathogenic (1 of 4 stars; one submission).

Submission:

Labcorp Genetics (formerly Invitae), Labcorp
Classification: Pathogenic. Last evaluated: 2020-01-02. Review status: criteria provided, single submitter. Criteria: Invitae Variant Classification Sherloc (09022015). Collection method: clinical testing. Allele origin: germline.
Comment: A gross deletion of the genomic region encompassing the full coding sequence of the HBA1 gene has been identified. Although HBA1 is associated with autosomal recessive disease, a closely related gene called HBA2, when present, can compensate for the loss of HBA1. Disruption of 1 or 2 of the 4 copies of the HBA1 and HBA2 genes is typically associated with no symptoms or very mild symptoms, while disruption of at least 3 of the 4 copies is associated with overt disease (PMID: 19618088, 21381239). Consistent with this, single gene deletions of HBA1 have been observed on the opposite chromosome (in trans) from deletions encompassing both HBA1 and HBA2 in individuals with HbH disease (PMID: 16370493, 1951330, 24826793). Deletions encompassing both HBA1 and HBA2, sometimes along with other nearby genes, have been reported in many individuals affected with alpha-thalassemia and related diseases (PMID: 1520607, 7734346, 12393486, 27492767). Loss-of-function variants in HBA1 are known to be pathogenic (PMID: 12393486, 27199182). For these reasons, this variant has been classified as Pathogenic.

Literature cited by the submitters: PubMed 19618088; PubMed 16370493; PubMed 21381239; PubMed 27492767; PubMed 12393486; PubMed 1951330; PubMed 24826793; PubMed 1520607; PubMed 7734346.